The following is an entry in ClinVar:

NC_000002.11:g.(?_31751266)_(31751352_?)del

Gene: SRD5A2 (steroid 5 alpha-reductase 2; minus strand). Cytogenetic location: 2p23.1.
Variant type: Deletion.
Identifiers: ClinVar variation 1457456 (VCV001457456.4).

ClinVar aggregate classification (germline): Pathogenic (1 of 4 stars; one submission).

Conditions:
3-Oxo-5 alpha-steroid delta 4-dehydrogenase deficiency (PPSH). Also called: 46,XY disorder of sex development due to 5-alpha-reductase 2 deficiency; MALE PSEUDOHERMAPHRODITISM DUE TO 5-ALPHA-REDUCTASE DEFICIENCY; PSEUDOVAGINAL PERINEOSCROTAL HYPOSPADIAS; FAMILIAL INCOMPLETE MALE PSEUDOHERMAPHRODITISM, TYPE 2. Identifiers: Orphanet 753, MedGen C0268297, MONDO:0009923, OMIM 264600. Disease mechanism: loss of function.

Submission:

Labcorp Genetics (formerly Invitae), Labcorp
Classification: Pathogenic for 3-Oxo-5 alpha-steroid delta 4-dehydrogenase deficiency. Last evaluated: 2021-07-14. Review status: criteria provided, single submitter. Criteria: Invitae Variant Classification Sherloc (09022015). Collection method: clinical testing. Allele origin: germline.
Comment: For these reasons, this variant has been classified as Pathogenic. This variant disrupts a region of the SRD5A2 protein in which other variant(s) (p.Arg246Gln) have been determined to be pathogenic (PMID: 1522235, 20493473, 26446026). This suggests that this is a clinically significant region of the protein, and that variants that disrupt it are likely to be disease-causing. This variant has not been reported in the literature in individuals affected with SRD5A2-related conditions. This variant is a gross deletion of the genomic region encompassing exon(s) 5 of the SRD5A2 gene. The 5' boundary is likely confined to intron 4. The 3' end of this event is unknown as it extends through the termination codon beyond the assayed region for this gene and may encompass additional genes. While this deletion is not anticipated to lead to nonsense mediated decay, it is expected to alter mRNA translation or result in a truncated protein product.

Literature cited by the submitters: PubMed 1522235; PubMed 20493473; PubMed 26446026.